The following is an entry in ClinVar:

ClinVar aggregate classification (germline): Conflicting classifications of pathogenicity. Review status: criteria provided, conflicting classifications (1 of 4 stars). 3 submissions from 3 submitters: Uncertain significance (1); Likely benign (1). 1 of the submissions does not count toward it. Last evaluated 2025-07-30.

Conditions:
MCM4-related disorder. Also called: MCM4-related condition.
Primary immunodeficiency with natural-killer cell deficiency and adrenal insufficiency (IMD54). Also called: Natural killer cell and glucocorticoid deficiency with DNA repair defect; IMMUNODEFICIENCY 54. Identifiers: Orphanet 75391, MedGen C1864947, MONDO:0012383, OMIM 609981.

Allele frequency attached by ClinVar (database versions not stated): gnomAD exomes 0.00005; ExAC 0.00006; TOPMed 0.00013; ESP Exome Variant Server 0.00015; 1000 Genomes Project 30x 0.00031; 1000 Genomes Project 0.00040.
gnomAD v4.1: 74 of 1,614,070 alleles (0.0046%); highest among the groups gnomAD compares: African/African-American, 0.047%; no homozygotes.

Submissions (3):

Labcorp Genetics (formerly Invitae), Labcorp
Classification: Likely benign. Last evaluated: 2025-07-30. Review status: criteria provided, single submitter. Criteria: Invitae Variant Classification Sherloc (09022015). Collection method: clinical testing. Allele origin: germline.

Illumina Laboratory Services, Illumina
Classification: Uncertain significance for Primary immunodeficiency with natural-killer cell deficiency and adrenal insufficiency. Last evaluated: 2018-01-13. Review status: criteria provided, single submitter. Criteria: ICSL Variant Classification Criteria 13 December 2019. Collection method: clinical testing. Allele origin: germline.

PreventionGenetics, part of Exact Sciences
Classification: Likely benign for MCM4-related condition. Last evaluated: 2020-02-26. Review status: no assertion criteria provided. Collection method: clinical testing. Allele origin: germline. Not counted in ClinVar's aggregate classification.
Comment: This variant is classified as likely benign based on ACMG/AMP sequence variant interpretation guidelines (Richards et al. 2015 PMID: 25741868, with internal and published modifications).

NM_182746.3(MCM4):c.891C>T (p.Pro297=)

Gene: MCM4 (minichromosome maintenance complex component 4; plus strand). Cytogenetic location: 8q11.21.
Variant type: single nucleotide variant.
Coding change: c.891C>T on transcript NM_182746.3 (MANE Select); coding-DNA position 891, C replaced by T.
Protein change: p.Pro297=; no amino-acid change (proline 297 retained).
Molecular consequence: synonymous variant.
Genome position (GRCh38, 1-based): chr8:47,966,245, C>T. VCF-style: chr8-47966245-C-T. GRCh37 (hg19) VCF-style: chr8-48878805-C-T.
Other names: c.891C>T, p.Pro297= (NM_005914.4, LRG_1239t1).
Identifiers: ClinVar variation 363225 (VCV000363225.15), dbSNP rs148576543, ClinGen allele CA4742458.